The following is an entry in ClinVar:

NM_001430.5(EPAS1):c.997C>A (p.Gln333Lys)

Gene: EPAS1 (endothelial PAS domain protein 1; plus strand). Cytogenetic location: 2p21.
Variant type: single nucleotide variant.
Coding change: c.997C>A on transcript NM_001430.5 (MANE Select); coding-DNA position 997, C replaced by A.
Protein change: p.Gln333Lys; replaces glutamine 333 with lysine.
Molecular consequence: missense variant.
Genome position (GRCh38, 1-based): chr2:46,375,800, C>A. VCF-style: chr2-46375800-C-A. GRCh37 (hg19) VCF-style: chr2-46602939-C-A.
Other names: short protein forms Q333K.
Identifiers: ClinVar variation 1768791 (VCV001768791.2), dbSNP rs1350939612, ClinGen allele CA346702929.

ClinVar aggregate classification (germline): Uncertain significance (1 of 4 stars; one submission).

Conditions:
Inborn genetic diseases. Identifiers: MedGen C0950123, MeSH D030342.

Allele frequency attached by ClinVar (database versions not stated): gnomAD exomes below 0.00001.
gnomAD v4.1: 5 of 1,614,238 alleles (0.00031%); highest among the groups gnomAD compares: Admixed American, 0.0017%; no homozygotes.

Submission:

Ambry Genetics
Classification: Uncertain significance for Inborn genetic diseases. Last evaluated: 2022-07-15. Review status: criteria provided, single submitter. Criteria: Ambry Variant Classification Scheme 2023. Collection method: clinical testing. Allele origin: germline.
Comment: The p.Q333K variant (also known as c.997C>A), located in coding exon 8 of the EPAS1 gene, results from a C to A substitution at nucleotide position 997. The glutamine at codon 333 is replaced by lysine, an amino acid with similar properties. This amino acid position is conserved. In addition, this alteration is predicted to be tolerated by in silico analysis. Since supporting evidence is limited at this time, the clinical significance of this alteration remains unclear.